The following is an entry in ClinVar:

NM_020461.4(TUBGCP6):c.5240T>G (p.Phe1747Cys)

Gene: TUBGCP6 (tubulin gamma complex component 6; minus strand). Cytogenetic location: 22q13.33.
Variant type: single nucleotide variant.
Coding change: c.5240T>G on transcript NM_020461.4 (MANE Select); coding-DNA position 5240, T replaced by G.
Protein change: p.Phe1747Cys; replaces phenylalanine 1747 with cysteine.
Molecular consequence: missense variant.
Genome position (GRCh38, 1-based): chr22:50,218,046, A>C on the plus strand (T>G on the coding strand, the complement: TUBGCP6 is on the minus strand). VCF-style: chr22-50218046-A-C. GRCh37 (hg19) VCF-style: chr22-50656475-A-C.
Other names: short protein forms F1747C.
Identifiers: ClinVar variation 958310 (VCV000958310.9), dbSNP rs780505331, ClinGen allele CA10307114.
Genomic context (GRCh38, chr22:50,218,046, plus strand): 5'-TGCTCTGCACCCCGCGGGCCCCCAGGGGGCCCCCAGGCCTGGGAGATGAGCTGGCTGCGG[A>C]ACTTGAGCACGAGGCTGAAGATGCTGTGGATGACGTTCATGACGGGCGCCGCCTTCTCCG-3'
Protein context (NP_065194.3, residues 1737-1757): IHSIFSLVLK[Phe1747Cys]RSQLISQAWG

ClinVar aggregate classification (germline): Uncertain significance (1 of 4 stars; one submission).

Allele frequency attached by ClinVar (database versions not stated): gnomAD below 0.00001 and 0.00001; gnomAD exomes 0.00002 and 0.00004; ExAC 0.00003.
gnomAD v4.1: 29 of 1,613,386 alleles (0.0018%); highest among the groups gnomAD compares: South Asian, 0.031%; no homozygotes.

Submission:

Labcorp Genetics (formerly Invitae), Labcorp
Classification: Uncertain significance. Last evaluated: 2024-05-06. Review status: criteria provided, single submitter. Criteria: Invitae Variant Classification Sherloc (09022015). Collection method: clinical testing. Allele origin: germline.
Comment: This sequence change replaces phenylalanine, which is neutral and non-polar, with cysteine, which is neutral and slightly polar, at codon 1747 of the TUBGCP6 protein (p.Phe1747Cys). This variant is present in population databases (rs780505331, gnomAD 0.03%). This variant has not been reported in the literature in individuals affected with TUBGCP6-related conditions. ClinVar contains an entry for this variant (Variation ID: 958310). An algorithm developed to predict the effect of missense changes on protein structure and function (PolyPhen-2) suggests that this variant is likely to be disruptive. In summary, the available evidence is currently insufficient to determine the role of this variant in disease. Therefore, it has been classified as a Variant of Uncertain Significance.